The following is an entry in ClinVar:

NM_004259.7(RECQL5):c.1425C>T (p.Arg475=)

Gene: RECQL5 (RecQ like helicase 5; minus strand). Cytogenetic location: 17q25.1.
Variant type: single nucleotide variant.
Coding change: c.1425C>T on transcript NM_004259.7 (MANE Select); coding-DNA position 1425, C replaced by T.
Protein change: p.Arg475=; no amino-acid change (arginine 475 retained).
Molecular consequence: synonymous variant.
Genome position (GRCh38, 1-based): chr17:75,631,473, G>A on the plus strand (C>T on the coding strand, the complement: RECQL5 is on the minus strand). VCF-style: chr17-75631473-G-A. GRCh37 (hg19) VCF-style: chr17-73627553-G-A.
Identifiers: ClinVar variation 2648276 (VCV002648276.24), dbSNP rs1242273411, ClinGen allele CA502047597.

ClinVar aggregate classification (germline): Likely benign (1 of 4 stars; one submission).

Allele frequency attached by ClinVar (database versions not stated): TOPMed below 0.00001.

Submission:

CeGaT Center for Human Genetics Tuebingen
Classification: Likely benign. Last evaluated: 2023-01-01. Review status: criteria provided, single submitter. Criteria: CeGaT Center For Human Genetics Tuebingen Variant Classification Criteria Version 2. Collection method: clinical testing. Allele origin: germline. Affected: yes. Observed: 1 variant allele.
Comment: RECQL5: PM2:Supporting, BP4, BP7